The following is an entry in ClinVar:

ClinVar aggregate classification (germline): Uncertain significance (1 of 4 stars; one submission).

Conditions:
RANBP2-related disorder. Also called: RANBP2-related condition.

Allele frequency attached by ClinVar (database versions not stated): gnomAD exomes 0.00001.
gnomAD v4.1: 4 of 1,552,450 alleles (0.00026%); highest among the groups gnomAD compares: Non-Finnish European, 0.00035%; no homozygotes.

Submission:

PreventionGenetics, part of Exact Sciences
Classification: Uncertain significance for RANBP2-related condition. Last evaluated: 2023-01-30. Review status: criteria provided, single submitter. Criteria: ACMG Guidelines, 2015. Collection method: clinical testing. Allele origin: germline.
Comment: The RANBP2 c.4934C>A variant is predicted to result in the amino acid substitution p.Pro1645His. To our knowledge, this variant has not been reported in the literature or in a large population database, indicating this variant is rare. At this time, the clinical significance of this variant is uncertain due to the absence of conclusive functional and genetic evidence.

NM_006267.5(RANBP2):c.4934C>A (p.Pro1645His)

Gene: RANBP2 (RAN binding protein 2; plus strand). Cytogenetic location: 2q13.
Variant type: single nucleotide variant.
Coding change: c.4934C>A on transcript NM_006267.5 (MANE Select); coding-DNA position 4934, C replaced by A.
Protein change: p.Pro1645His; replaces proline 1645 with histidine.
Molecular consequence: missense variant.
Genome position (GRCh38, 1-based): chr2:108,765,473, C>A. VCF-style: chr2-108765473-C-A. GRCh37 (hg19) VCF-style: chr2-109381929-C-A.
Other names: c.4934C>A, p.Pro1645His (NM_001415871.1, NM_001415873.1); c.4931C>A, p.Pro1644His (NM_001415872.1); short protein forms P1644H, P1645H.
Identifiers: ClinVar variation 2630275 (VCV002630275.1), dbSNP rs2467628461, ClinGen allele CA348069412.